The following is an entry in ClinVar:

ClinVar aggregate classification (germline): Conflicting classifications of pathogenicity. Review status: criteria provided, conflicting classifications (1 of 4 stars). 2 submissions from 2 submitters: Uncertain significance (1); Likely benign (1). Last evaluated 2022-09-17.

Allele frequency attached by ClinVar (database versions not stated): gnomAD 0.00002; TOPMed 0.00002.
gnomAD v4.1: 35 of 1,553,804 alleles (0.0023%); highest among the groups gnomAD compares: African/African-American, 0.0027%; no homozygotes.

Submissions (2):

Labcorp Genetics (formerly Invitae), Labcorp
Classification: Likely benign. Last evaluated: 2022-09-17. Review status: criteria provided, single submitter. Criteria: Invitae Variant Classification Sherloc (09022015). Collection method: clinical testing. Allele origin: germline.

GeneDx
Classification: Uncertain significance. Last evaluated: 2021-12-13. Review status: criteria provided, single submitter. Criteria: GeneDx Variant Classification Process June 2021. Collection method: clinical testing. Allele origin: germline. Affected: yes.
Comment: Not observed at significant frequency in large population cohorts (Lek et al., 2016); In silico analysis supports that this missense variant does not alter protein structure/function; Has not been previously published as pathogenic or benign to our knowledge; This variant is associated with the following publications: (PMID: 27535533)

NM_018896.5(CACNA1G):c.1588C>T (p.Arg530Cys)

Gene: CACNA1G (calcium voltage-gated channel subunit alpha1 G; plus strand). Cytogenetic location: 17q21.33.
Variant type: single nucleotide variant.
Coding change: c.1588C>T on transcript NM_018896.5 (MANE Select); coding-DNA position 1588, C replaced by T.
Protein change: p.Arg530Cys; replaces arginine 530 with cysteine.
Molecular consequence: missense variant. On other transcripts: non-coding transcript variant (5).
Genome position (GRCh38, 1-based): chr17:50,575,990, C>T. VCF-style: chr17-50575990-C-T. GRCh37 (hg19) VCF-style: chr17-48653351-C-T.
Other names: c.1588C>T, p.Arg530Cys (NM_001256324.2, NM_001256325.2, NM_001256326.2 and 24 more transcripts); short protein forms R530C.
Identifiers: ClinVar variation 1329777 (VCV001329777.6), dbSNP rs776897967, ClinGen allele CA291598851.
Genomic context (GRCh38, chr17:50,575,990, plus strand): 5'-GGGACGCTCAGGGCCCCCCGGGCCAGCCCGGAGATCCAGGACAGGGATGCCAATGGGTCC[C>T]GCCGGCTCATGCTGCCACCACCCTCGACGCCTGCCCTCTCCGGGGCCCCCCCTGGTGGCG-3'
Protein context (NP_061496.2, residues 520-540): EIQDRDANGS[Arg530Cys]RLMLPPPSTP